The following is an entry in ClinVar:

NM_016013.4(NDUFAF1):c.941C>G (p.Ala314Gly)

Gene: NDUFAF1 (NADH:ubiquinone oxidoreductase complex assembly factor 1; minus strand). Cytogenetic location: 15q15.1.
Variant type: single nucleotide variant.
Coding change: c.941C>G on transcript NM_016013.4 (MANE Select); coding-DNA position 941, C replaced by G.
Protein change: p.Ala314Gly; replaces alanine 314 with glycine.
Molecular consequence: missense variant. On other transcripts: non-coding transcript variant (1).
Genome position (GRCh38, 1-based): chr15:41,387,487, G>C on the plus strand (C>G on the coding strand, the complement: NDUFAF1 is on the minus strand). VCF-style: chr15-41387487-G-C. GRCh37 (hg19) VCF-style: chr15-41679685-G-C.
Other names: short protein forms A314G.
Identifiers: ClinVar variation 129690 (VCV000129690.25), dbSNP rs12900702, ClinGen allele CA153851.

ClinVar aggregate classification (germline): Benign. Review status: criteria provided, multiple submitters, no conflicts (2 of 4 stars). 6 submissions from 6 submitters: Benign (4). 2 of the submissions do not count toward it. Last evaluated 2026-02-02.

Conditions:
Mitochondrial complex I deficiency, nuclear type 1. Also called: NADH-COENZYME Q REDUCTASE DEFICIENCY; MITOCHONDRIAL NADH DEHYDROGENASE COMPONENT OF COMPLEX I, DEFICIENCY OF. Identifiers: MedGen C6022305, MONDO:0100224, OMIM 252010.

Allele frequency attached by ClinVar (database versions not stated): 1000 Genomes Project 0.07208; 1000 Genomes Project 30x 0.07230; TOPMed 0.11862; gnomAD 0.12806 and 0.12962; ESP Exome Variant Server 0.13817.

Submissions (6):

Labcorp Genetics (formerly Invitae), Labcorp
Classification: Benign. Last evaluated: 2026-02-02. Review status: criteria provided, single submitter. Criteria: Invitae Variant Classification Sherloc (09022015). Collection method: clinical testing. Allele origin: germline.

Illumina Laboratory Services, Illumina
Classification: Benign for Mitochondrial complex I deficiency, nuclear type 1. Last evaluated: 2018-01-13. Review status: criteria provided, single submitter. Criteria: ICSL Variant Classification Criteria 13 December 2019. Collection method: clinical testing. Allele origin: germline.
Comment: This variant was observed in the ICSL laboratory as part of a predisposition screen in an ostensibly healthy population. It had not been previously curated by ICSL or reported in the Human Gene Mutation Database (HGMD: prior to June 1st, 2018), and was therefore a candidate for classification through an automated scoring system. Utilizing variant allele frequency, disease prevalence and penetrance estimates, and inheritance mode, an automated score was calculated to assess if this variant is too frequent to cause the disease. Based on the score and internal cut-off values, a variant classified as benign is not then subjected to further curation. The score for this variant resulted in a classification of benign for this disease.

GeneDx
Classification: Benign. Last evaluated: 2015-03-03. Review status: criteria provided, single submitter. Criteria: GeneDx Variant Classification Process June 2021. Collection method: clinical testing. Allele origin: germline. Affected: yes.

Breakthrough Genomics
Classification: Benign. Review status: criteria provided, single submitter. Criteria: ACMG Guidelines, 2015. Collection method: not provided. Allele origin: germline. Inheritance: Autosomal recessive inheritance. Affected: yes.

Mayo Clinic Laboratories, Mayo Clinic
Classification: Benign. Last evaluated: 2016-02-20. Review status: no assertion criteria provided. Collection method: clinical testing. Allele origin: unknown. Not counted in ClinVar's aggregate classification.

Genetic Services Laboratory, University of Chicago
Classification: Likely benign for AllHighlyPenetrant. Review status: no assertion criteria provided. Collection method: clinical testing. Allele origin: germline. Inheritance: Autosomal recessive inheritance. Not counted in ClinVar's aggregate classification.
Comment: Likely benign based on allele frequency in 1000 Genomes Project or ESP global frequency and its presence in a patient with a rare or unrelated disease phenotype. NOT Sanger confirmed.